The following is an entry in ClinVar:

NM_002471.4(MYH6):c.1127C>T (p.Pro376Leu)

Gene: MYH6 (myosin heavy chain 6; minus strand). Cytogenetic location: 14q11.2.
Variant type: single nucleotide variant.
Coding change: c.1127C>T on transcript NM_002471.4 (MANE Select); coding-DNA position 1127, C replaced by T.
Protein change: p.Pro376Leu; replaces proline 376 with leucine.
Molecular consequence: missense variant.
Genome position (GRCh38, 1-based): chr14:23,402,478, G>A on the plus strand (C>T on the coding strand, the complement: MYH6 is on the minus strand). VCF-style: chr14-23402478-G-A. GRCh37 (hg19) VCF-style: chr14-23871687-G-A.
Other names: short protein forms P376L.
Identifiers: ClinVar variation 4741608 (VCV004741608.1).

ClinVar aggregate classification (germline): Uncertain significance (1 of 4 stars; one submission).

Conditions:
Hypertrophic cardiomyopathy 14. Identifiers: MedGen C2750467, MONDO:0013197, OMIM 613251.

Submission:

Labcorp Genetics (formerly Invitae), Labcorp
Classification: Uncertain significance for Hypertrophic cardiomyopathy 14. Last evaluated: 2025-08-09. Review status: criteria provided, single submitter. Criteria: Invitae Variant Classification Sherloc (09022015). Collection method: clinical testing. Allele origin: germline.
Comment: This sequence change replaces proline, which is neutral and non-polar, with leucine, which is neutral and non-polar, at codon 376 of the MYH6 protein (p.Pro376Leu). This variant is not present in population databases (gnomAD no frequency). This variant has not been reported in the literature in individuals affected with MYH6-related conditions. Invitae Evidence Modeling of protein sequence and biophysical properties (such as structural, functional, and spatial information, amino acid conservation, physicochemical variation, residue mobility, and thermodynamic stability) indicates that this missense variant is not expected to disrupt MYH6 protein function with a negative predictive value of 80%. In summary, the available evidence is currently insufficient to determine the role of this variant in disease. Therefore, it has been classified as a Variant of Uncertain Significance.